The following is an entry in ClinVar:

NM_003072.5(SMARCA4):c.853C>A (p.Pro285Thr)

Gene: SMARCA4 (SWI/SNF related BAF chromatin remodeling complex subunit ATPase 4; plus strand). Cytogenetic location: 19p13.2.
Variant type: single nucleotide variant.
Coding change: c.853C>A on transcript NM_003072.5 (MANE Select); coding-DNA position 853, C replaced by A.
Protein change: p.Pro285Thr; replaces proline 285 with threonine.
Molecular consequence: missense variant. On other transcripts: non-coding transcript variant (1).
Genome position (GRCh38, 1-based): chr19:10,986,997, C>A. VCF-style: chr19-10986997-C-A. GRCh37 (hg19) VCF-style: chr19-11097673-C-A.
Other names: c.853C>A, p.Pro285Thr (NM_001128844.3, NM_001128845.2, NM_001128846.2 and 6 more transcripts); short protein forms P285T.
Identifiers: ClinVar variation 3636839 (VCV003636839.2).
Genomic context (GRCh38, chr19:10,986,997, plus strand): 5'-CCCTCGGGCGTGCCCCCCGGGATGCCAGGCCAGCCTCCTGGAGGGCCTCCCAAGCCCTGG[C>A]CTGAAGGTGAGCTCCCTCTTCTATGGTGGTGCACCCGTGCCCTTACTCCCCATCTCAAGC-3'
Protein context (NP_003063.2, residues 275-295): QPPGGPPKPW[Pro285Thr]EGPMANAAAP

ClinVar aggregate classification (germline): Uncertain significance (1 of 4 stars; one submission).

Conditions:
Rhabdoid tumor predisposition syndrome 2 (RTPS2). Identifiers: Orphanet 231108, Orphanet 69077, MedGen C2750074, MONDO:0013224, OMIM 613325.

Submission:

Labcorp Genetics (formerly Invitae), Labcorp
Classification: Uncertain significance for Rhabdoid tumor predisposition syndrome 2. Last evaluated: 2024-06-18. Review status: criteria provided, single submitter. Criteria: Invitae Variant Classification Sherloc (09022015). Collection method: clinical testing. Allele origin: germline.
Comment: This sequence change replaces proline, which is neutral and non-polar, with threonine, which is neutral and polar, at codon 285 of the SMARCA4 protein (p.Pro285Thr). This variant is not present in population databases (gnomAD no frequency). This variant has not been reported in the literature in individuals affected with SMARCA4-related conditions. Advanced modeling of protein sequence and biophysical properties (such as structural, functional, and spatial information, amino acid conservation, physicochemical variation, residue mobility, and thermodynamic stability) has been performed at Invitae for this missense variant, however the output from this modeling did not meet the statistical confidence thresholds required to predict the impact of this variant on SMARCA4 protein function. In summary, the available evidence is currently insufficient to determine the role of this variant in disease. Therefore, it has been classified as a Variant of Uncertain Significance.